The following is an entry in ClinVar:

NM_016592.5(GNAS):c.44A>G (p.His15Arg)

Genes: GNAS (GNAS complex locus; plus strand), GNAS-AS1 (GNAS antisense RNA 1; minus strand). Cytogenetic location: 20q13.32.
Variant type: single nucleotide variant.
Coding change: c.44A>G on transcript NM_016592.5 (MANE Plus Clinical); coding-DNA position 44, A replaced by G.
Protein change: p.His15Arg; replaces histidine 15 with arginine.
Molecular consequence: missense variant. On other transcripts: 5 prime UTR variant (1).
Genome position (GRCh38, 1-based): chr20:58,840,150, A>G. VCF-style: chr20-58840150-A-G. GRCh37 (hg19) VCF-style: chr20-57415205-A-G.
Other names: c.-694A>G (NM_001410912.1); short protein forms H15R.
Identifiers: ClinVar variation 2636584 (VCV002636584.1), dbSNP rs1389217949, ClinGen allele CA409450679.

ClinVar aggregate classification (germline): Uncertain significance (1 of 4 stars; one submission).

Conditions:
GNAS-related disorder. Identifiers: MedGen CN380105.

Allele frequency attached by ClinVar (database versions not stated): gnomAD exomes below 0.00001.
gnomAD v4.1: 2 of 1,611,694 alleles (0.00012%); highest among the groups gnomAD compares: Admixed American, 0.0017%; no homozygotes.

Submission:

PreventionGenetics, part of Exact Sciences
Classification: Uncertain significance for GNAS-related condition. Last evaluated: 2023-03-29. Review status: criteria provided, single submitter. Criteria: ACMG Guidelines, 2015. Collection method: clinical testing. Allele origin: germline.
Comment: The GNAS c.44A>G variant is predicted to result in the amino acid substitution p.His15Arg. To our knowledge, this variant has not been reported in the literature or in a large population database, indicating this variant is rare. At this time, the clinical significance of this variant is uncertain due to the absence of conclusive functional and genetic evidence.